The following is an entry in ClinVar:

NC_000017.11:g.(?_43070908)_(43125483_?)del

Genes: BRCA1 (BRCA1 DNA repair associated; minus strand), LOC111589216 (BRCA1 intron 2 regulatory region; plus strand), LOC111589215 (BRCA1 promoter region; plus strand), LOC110485084 (BRCA1 intronic recombination region; plus strand), LOC126862571 (BRD4-independent group 4 enhancer GRCh37_chr17:41243136-41244335; plus strand). Cytogenetic location: 17q21.31.
Variant type: Deletion.
Identifiers: ClinVar variation 666230 (VCV000666230.2).

ClinVar aggregate classification (germline): Pathogenic (1 of 4 stars; one submission).

Conditions:
Hereditary breast ovarian cancer syndrome. Also called: BRCA1- and BRCA2-Associated Hereditary Breast and Ovarian Cancer; Breast and ovarian cancer; Hereditary breast and ovarian cancer syndrome (HBOC); Hereditary breast and ovarian cancer; Hereditary breast and ovarian cancer syndrome; Hereditary breast and/or ovarian cancer syndrome. Identifiers: Orphanet 145, MedGen C0677776, MeSH D061325, MONDO:0003582. Disease mechanism: loss of function.

Submission:

Labcorp Genetics (formerly Invitae), Labcorp
Classification: Pathogenic for Hereditary breast ovarian cancer syndrome. Last evaluated: 2022-10-02. Review status: criteria provided, single submitter. Criteria: Invitae Variant Classification Sherloc (09022015). Collection method: clinical testing. Allele origin: germline.
Comment: This variant is a gross deletion of the genomic region encompassing exon(s) 1-15 of the BRCA1 gene, which includes the initiator codon. This deletion extends beyond the assayed region for this gene and therefore may encompass additional genes. It is expected to result in an absent or disrupted protein product. Loss-of-function variants in BRCA1 are known to be pathogenic (PMID: 20104584). A similar copy number variant has been observed in individual(s) with a personal and/or family history of breast and/or ovarian cancer (PMID: 22544547, 28595730). This variant is also known as exons 1-16. For these reasons, this variant has been classified as Pathogenic.

Literature cited by the submitters: PubMed 20104584; PubMed 22544547; PubMed 28595730.